The following is an entry in ClinVar:

NM_000275.3(OCA2):c.122del (p.Gly41fs)

Gene: OCA2 (OCA2 melanosomal transmembrane protein; minus strand). Cytogenetic location: 15q13.1.
Variant type: Deletion.
Coding change: c.122del on transcript NM_000275.3 (MANE Select); coding-DNA position 122, one base deleted (G; older notation c.122delG).
Protein change: p.Gly41fs; shifts the reading frame from glycine 41.
Molecular consequence: frameshift variant.
Genome position (GRCh38, 1-based): chr15:28,081,753, C deleted on the plus strand (G on the coding strand, the reverse complement: OCA2 is on the minus strand); the first of 4 consecutive C bases (chr15:28,081,753-28,081,756); deleting any one gives the same sequence. VCF-style (leftmost placement, unchanged base first): chr15-28081752-TC-T. GRCh37 (hg19) VCF-style: chr15-28326898-TC-T.
Other names: c.122del, p.Gly41fs (NM_001300984.2); short protein forms G41fs.
Identifiers: ClinVar variation 1338408 (VCV001338408.9), dbSNP rs1407174563, ClinGen allele CA617086285.

ClinVar aggregate classification (germline): Pathogenic. Review status: criteria provided, multiple submitters, no conflicts (2 of 4 stars). 2 submissions from 2 submitters: Pathogenic (2). Last evaluated 2024-02-25.

Submissions (2):

Labcorp Genetics (formerly Invitae), Labcorp
Classification: Pathogenic. Last evaluated: 2024-02-25. Review status: criteria provided, single submitter. Criteria: Invitae Variant Classification Sherloc (09022015). Collection method: clinical testing. Allele origin: germline.
Comment: This sequence change creates a premature translational stop signal (p.Gly41Glufs*61) in the OCA2 gene. It is expected to result in an absent or disrupted protein product. Loss-of-function variants in OCA2 are known to be pathogenic (PMID: 19865097, 21541274). This variant is present in population databases (no rsID available, gnomAD 0.009%). This variant has not been reported in the literature in individuals affected with OCA2-related conditions. ClinVar contains an entry for this variant (Variation ID: 1338408). For these reasons, this variant has been classified as Pathogenic.

Genetic Services Laboratory, University of Chicago
Classification: Pathogenic. Last evaluated: 2018-06-08. Review status: criteria provided, single submitter. Criteria: ACMG Guidelines, 2015. Collection method: clinical testing. Allele origin: germline. Affected: yes.
Comment: DNA sequence analysis of the OCA2 gene demonstrated a one base pair deletion in exon 2, c.122del. This sequence change results in an amino acid frameshift and creates a premature stop codon 60 amino acids downstream of the mutation, p.Gly41Glufs*61. This pathogenic sequence change is predicted to result in an abnormal transcript, which may be degraded, or may lead to the production of a truncated OCA2 protein with potentially abnormal function.

Literature cited by the submitters: PubMed 19865097 (cited by Labcorp Genetics (formerly Invitae), Labcorp); PubMed 21541274 (cited by Labcorp Genetics (formerly Invitae), Labcorp).